The following is an entry in ClinVar:

NM_001843.4(CNTN1):c.2854G>A (p.Gly952Ser)

Gene: CNTN1 (contactin 1; plus strand). Cytogenetic location: 12q12.
Variant type: single nucleotide variant.
Coding change: c.2854G>A on transcript NM_001843.4 (MANE Select); coding-DNA position 2854, G replaced by A.
Protein change: p.Gly952Ser; replaces glycine 952 with serine.
Molecular consequence: missense variant.
Genome position (GRCh38, 1-based): chr12:41,029,093, G>A. VCF-style: chr12-41029093-G-A. GRCh37 (hg19) VCF-style: chr12-41422895-G-A.
Other names: c.2821G>A, p.Gly941Ser (NM_175038.2); short protein forms G952S, G941S.
Identifiers: ClinVar variation 2013841 (VCV002013841.4), dbSNP rs2499754903, ClinGen allele CA384588129.

ClinVar aggregate classification (germline): Uncertain significance (1 of 4 stars; one submission).

Conditions:
Compton-North congenital myopathy (CMYO12). Identifiers: Orphanet 210163, MedGen C2675527, MONDO:0012929, OMIM 612540.

Submission:

Labcorp Genetics (formerly Invitae), Labcorp
Classification: Uncertain significance for Compton-North congenital myopathy. Last evaluated: 2024-01-17. Review status: criteria provided, single submitter. Criteria: Invitae Variant Classification Sherloc (09022015). Collection method: clinical testing. Allele origin: germline.
Comment: This sequence change replaces glycine, which is neutral and non-polar, with serine, which is neutral and polar, at codon 952 of the CNTN1 protein (p.Gly952Ser). This variant is not present in population databases (gnomAD no frequency). This variant has not been reported in the literature in individuals affected with CNTN1-related conditions. ClinVar contains an entry for this variant (Variation ID: 2013841). Advanced modeling of protein sequence and biophysical properties (such as structural, functional, and spatial information, amino acid conservation, physicochemical variation, residue mobility, and thermodynamic stability) performed at Invitae indicates that this missense variant is not expected to disrupt CNTN1 protein function with a negative predictive value of 95%. In summary, the available evidence is currently insufficient to determine the role of this variant in disease. Therefore, it has been classified as a Variant of Uncertain Significance.